The following is an entry in ClinVar:

ClinVar aggregate classification (germline): Uncertain significance (1 of 4 stars; one submission).

Conditions:
Wilms tumor 1 (WT1). Also called: Wilms tumor, somatic. Identifiers: Orphanet 654, MedGen CN033288, MONDO:0008679, OMIM 194070.

Allele frequency attached by ClinVar (database versions not stated): gnomAD exomes 0.00001; TOPMed 0.00001; gnomAD 0.00002.
gnomAD v4.1: 3 of 1,205,430 alleles (0.00025%); highest among the groups gnomAD compares: African/African-American, 0.0053%; no homozygotes.

Submission:

Labcorp Genetics (formerly Invitae), Labcorp
Classification: Uncertain significance for Wilms tumor 1. Last evaluated: 2025-02-17. Review status: criteria provided, single submitter. Criteria: Invitae Variant Classification Sherloc (09022015). Collection method: clinical testing. Allele origin: germline.
Comment: This sequence change replaces glutamine, which is neutral and polar, with histidine, which is basic and polar, at codon 91 of the GPC3 protein (p.Gln91His). This variant is present in population databases (no rsID available, gnomAD 0.02%). This variant has not been reported in the literature in individuals affected with GPC3-related conditions. ClinVar contains an entry for this variant (Variation ID: 968356). Invitae Evidence Modeling of protein sequence and biophysical properties (such as structural, functional, and spatial information, amino acid conservation, physicochemical variation, residue mobility, and thermodynamic stability) indicates that this missense variant is not expected to disrupt GPC3 protein function with a negative predictive value of 80%. In summary, the available evidence is currently insufficient to determine the role of this variant in disease. Therefore, it has been classified as a Variant of Uncertain Significance.

NM_004484.4(GPC3):c.273G>T (p.Gln91His)

Gene: GPC3 (glypican 3; minus strand). Cytogenetic location: Xq26.2.
Variant type: single nucleotide variant.
Coding change: c.273G>T on transcript NM_004484.4 (MANE Select); coding-DNA position 273, G replaced by T.
Protein change: p.Gln91His; replaces glutamine 91 with histidine.
Molecular consequence: missense variant. On other transcripts: intron variant (1).
Genome position (GRCh38, 1-based): chrX:133,953,114, C>A on the plus strand (G>T on the coding strand, the complement: GPC3 is on the minus strand). VCF-style: chrX-133953114-C-A. GRCh37 (hg19) VCF-style: chrX-133087141-C-A.
Other names: c.273G>T, p.Gln91His (NM_001164617.2, NM_001164618.2); c.175+32161G>T (NM_001164619.2); short protein forms Q91H.
Identifiers: ClinVar variation 968356 (VCV000968356.8), dbSNP rs1017256114, ClinGen allele CA335995643.